The following is an entry in ClinVar:

GRCh38/hg38 7q11.23(chr7:73280574-74723034)x1

Genes: ABHD11 (abhydrolase domain containing 11; minus strand), ABHD11-AS1 (ABHD11 antisense RNA 1 (tail to tail); plus strand), BAZ1B (bromodomain adjacent to zinc finger domain 1B; minus strand), BCL7B (BAF chromatin remodeling complex subunit BCL7B; minus strand), BUD23 (BUD23 rRNA methyltransferase and ribosome maturation factor; plus strand) and 127 more. Cytogenetic location: 7q11.23.
Variant type: copy number loss.
Change: copy number 1 (one copy instead of two) of chr7:73,280,574-74,723,034 (1.44 Mb, GRCh38 coordinates, 1-based), cytogenetic band 7q11.23.
Identifiers: ClinVar variation 59315 (VCV000059315.2).

ClinVar aggregate classification (germline): Pathogenic (1 of 4 stars; one submission).

Submission:

ISCA Site 6
Classification: Pathogenic. Last evaluated: 2011-08-12. Review status: criteria provided, single submitter. Criteria: Kaminsky et al. (Genet Med. 2011). Collection method: clinical testing. Allele origin: unknown. Affected: yes. Observed: 1 variant allele.
Comment: Copy number variation identified through the course of routine clinical cytogenomic testing in postnatal populations. Clinical assertions have been curated as described in Kaminsky et al. 2011.